The following is an entry in ClinVar:

ClinVar aggregate classification (germline): Uncertain significance. Review status: criteria provided, multiple submitters, no conflicts (2 of 4 stars). 2 submissions from 2 submitters: Uncertain significance (2). Last evaluated 2025-06-04.

Conditions:
Cerebral cavernous malformation 3. Also called: Familial Cerebral Cavernous Malformation 3. Identifiers: Orphanet 221061, MedGen C1864040, MONDO:0011305, OMIM 603285.
PDCD10-related disorder. Also called: PDCD10-related condition.

Submissions (2):

PreventionGenetics, part of Exact Sciences
Classification: Uncertain significance for PDCD10-related condition. Last evaluated: 2025-06-04. Review status: criteria provided, single submitter. Criteria: ACMG Guidelines, 2015. Collection method: clinical testing. Allele origin: germline.
Comment: The PDCD10 c.420_428del9 variant is predicted to result in an in-frame deletion (p.Glu140_Leu142del). To our knowledge, this variant has not been reported in the literature or in a large population database (gnomAD), indicating this variant is rare. At this time, the clinical significance of this variant is uncertain due to the absence of conclusive functional and genetic evidence.

Labcorp Genetics (formerly Invitae), Labcorp
Classification: Uncertain significance for Cerebral cavernous malformation 3. Last evaluated: 2025-03-27. Review status: criteria provided, single submitter. Criteria: Invitae Variant Classification Sherloc (09022015). Collection method: clinical testing. Allele origin: germline.
Comment: This variant, c.420_428del, results in the deletion of 3 amino acid(s) of the PDCD10 protein (p.Glu140_Leu142del), but otherwise preserves the integrity of the reading frame. This variant is not present in population databases (gnomAD no frequency). This variant has been observed in individual(s) with clinical features of PDCD10-related conditions (internal data). Experimental studies and prediction algorithms are not available or were not evaluated, and the functional significance of this variant is currently unknown. In summary, the available evidence is currently insufficient to determine the role of this variant in disease. Therefore, it has been classified as a Variant of Uncertain Significance.

NM_007217.4(PDCD10):c.420_428del (p.Glu140_Leu142del)

Gene: PDCD10 (programmed cell death 10; minus strand). Cytogenetic location: 3q26.1.
Variant type: Deletion.
Coding change: c.420_428del on transcript NM_007217.4 (MANE Select); coding-DNA positions 420 to 428, 9 bases deleted (ACTTCTTGA; older notation c.420_428delACTTCTTGA).
Protein change: p.Glu140_Leu142del.
Molecular consequence: inframe deletion.
Genome position (GRCh38, 1-based): chr3:167,687,661-167,687,669, TCAAGAAGT deleted on the plus strand (ACTTCTTGA on the coding strand, the reverse complement: PDCD10 is on the minus strand); deleting any 9 consecutive bases within chr3:167,687,661-167,687,671 gives the same sequence; the c. name uses the placement nearest the transcript's 3' end. VCF-style (leftmost placement, unchanged base first): chr3-167687660-ATCAAGAAGT-A. GRCh37 (hg19) VCF-style: chr3-167405448-ATCAAGAAGT-A.
Other names: c.420_428del, p.Glu140_Leu142del (NM_001439202.1, NM_001439204.1, NM_001439205.1 and 2 more transcripts); c.420_428del9 (NM_145859.1).
Identifiers: ClinVar variation 4716176 (VCV004716176.2).